The following is an entry in ClinVar:

NM_000843.4(GRM6):c.257T>C (p.Leu86Pro)

Gene: GRM6 (glutamate metabotropic receptor 6; minus strand). Cytogenetic location: 5q35.3.
Variant type: single nucleotide variant.
Coding change: c.257T>C on transcript NM_000843.4 (MANE Select); coding-DNA position 257, T replaced by C.
Protein change: p.Leu86Pro; replaces leucine 86 with proline.
Molecular consequence: missense variant.
Genome position (GRCh38, 1-based): chr5:178,994,688, A>G on the plus strand (T>C on the coding strand, the complement: GRM6 is on the minus strand). VCF-style: chr5-178994688-A-G. GRCh37 (hg19) VCF-style: chr5-178421689-A-G.
Other names: short protein forms L86P.
Identifiers: ClinVar variation 3855947 (VCV003855947.3).

ClinVar aggregate classification (germline): Uncertain significance. Review status: criteria provided, multiple submitters, no conflicts (2 of 4 stars). 2 submissions from 2 submitters: Uncertain significance (2). Last evaluated 2025-03-03.

Conditions:
Inborn genetic diseases. Identifiers: MedGen C0950123, MeSH D030342.
Congenital stationary night blindness 1B. Also called: NIGHT BLINDNESS, CONGENITAL STATIONARY, COMPLETE, AUTOSOMAL RECESSIVE; Night blindness, congenital stationary (complete), 1B, autosomal recessive. Identifiers: Orphanet 215, MedGen C1850362, MONDO:0009758, OMIM 257270.

Submissions (2):

Ambry Genetics
Classification: Uncertain significance for Inborn genetic diseases. Last evaluated: 2025-03-03. Review status: criteria provided, single submitter. Criteria: Ambry Variant Classification Scheme 2023. Collection method: clinical testing. Allele origin: germline.

Juno Genomics, Hangzhou Juno Genomics, Inc
Classification: Uncertain significance for Congenital stationary night blindness 1B. Review status: criteria provided, single submitter. Criteria: ACMG Guidelines, 2015. Collection method: clinical testing. Allele origin: germline.
Comment: Absent from controls (or at extremely low frequency if recessive) in Genome Aggregation Database.;Multiple lines of computational evidence support a deleterious effect on the gene or gene product.